The following is an entry in ClinVar:

NM_001127198.5(TMC6):c.2033C>A (p.Ser678Ter)

Gene: TMC6 (transmembrane channel like 6; minus strand). Cytogenetic location: 17q25.3.
Variant type: single nucleotide variant.
Coding change: c.2033C>A on transcript NM_001127198.5 (MANE Select); coding-DNA position 2033, C replaced by A.
Protein change: p.Ser678Ter; replaces serine 678 with a stop codon.
Molecular consequence: nonsense. On other transcripts: non-coding transcript variant (4).
Genome position (GRCh38, 1-based): chr17:78,117,633, G>T on the plus strand (C>A on the coding strand, the complement: TMC6 is on the minus strand). VCF-style: chr17-78117633-G-T. GRCh37 (hg19) VCF-style: chr17-76113714-G-T.
Other names: c.2033C>A, p.Ser678Ter (NM_001321185.1, NM_001374596.1, NM_001375353.1 and 2 more transcripts); c.1853C>A, p.Ser618Ter (NM_001374593.1, NM_001374594.1); short protein forms S618*, S678*.
Identifiers: ClinVar variation 1456110 (VCV001456110.6), dbSNP rs749657465, ClinGen allele CA401225611.
Genomic context (GRCh38, chr17:78,117,633, plus strand): 5'-ACCCACACCCTGCCGGCCTCGTACATGGTGTCCAGGGTCCGGAAGGGGCCGCAGGTGCTC[G>T]AGGGCTTCACCCTGGGGAAGATGCCGACCAGGAACCCTCACCCCGAGCAACAGTTCACCC-3'

ClinVar aggregate classification (germline): Pathogenic (1 of 4 stars; one submission).

Conditions:
Epidermodysplasia verruciformis. Identifiers: Orphanet 302, MedGen C0014522, MONDO:0009176.

gnomAD v4.1: 2 of 1,571,554 alleles (0.00013%); highest among the groups gnomAD compares: Non-Finnish European, 0.00017%; no homozygotes.

Submission:

Labcorp Genetics (formerly Invitae), Labcorp
Classification: Pathogenic for Epidermodysplasia verruciformis. Last evaluated: 2021-03-03. Review status: criteria provided, single submitter. Criteria: Invitae Variant Classification Sherloc (09022015). Collection method: clinical testing. Allele origin: germline.
Comment: This sequence change creates a premature translational stop signal (p.Ser678*) in the TMC6 gene. It is expected to result in an absent or disrupted protein product. Loss-of-function variants in TMC6 are known to be pathogenic (PMID: 15042430, 17139267). This variant is not present in population databases (ExAC no frequency). This variant has not been reported in the literature in individuals with TMC6-related conditions. For these reasons, this variant has been classified as Pathogenic.

Literature cited by the submitters: PubMed 15042430; PubMed 17139267.